The following is an entry in ClinVar:

ClinVar aggregate classification (germline): Benign/Likely benign. Review status: criteria provided, multiple submitters, no conflicts (2 of 4 stars). 6 submissions from 6 submitters: Benign (2); Likely benign (4). Last evaluated 2026-01-19.

Conditions:
Upshaw-Schulman syndrome (TTP). Also called: THROMBOTIC THROMBOCYTOPENIC PURPURA, HEREDITARY; Congenital thrombotic thrombocytopenic purpura. Identifiers: Orphanet 93583, MedGen C1268935, MONDO:0010122, OMIM 274150.

Allele frequency attached by ClinVar (database versions not stated): gnomAD exomes 0.00034 and 0.00093; ExAC 0.00119; 1000 Genomes Project 0.00399; ESP Exome Variant Server 0.00408; gnomAD 0.00435 and 0.00463; 1000 Genomes Project 30x 0.00453; TOPMed 0.00482.
gnomAD v4.1: 1,188 of 1,613,480 alleles (0.074%); highest among the groups gnomAD compares: African/African-American, 1.4%; 7 homozygotes.

Submissions (6):

Labcorp Genetics (formerly Invitae), Labcorp
Classification: Benign. Last evaluated: 2026-01-19. Review status: criteria provided, single submitter. Criteria: Invitae Variant Classification Sherloc (09022015). Collection method: clinical testing. Allele origin: germline.

Mayo Clinic Laboratories, Mayo Clinic
Classification: Likely benign. Last evaluated: 2025-08-21. Review status: criteria provided, single submitter. Criteria: ACMG Guidelines, 2015. Collection method: clinical testing. Allele origin: germline. Observed: 30 variant alleles.
Comment: BS1, BS3, BP4_moderate

Blueprint Genetics
Classification: Likely benign. Last evaluated: 2024-11-26. Review status: criteria provided, single submitter. Criteria: ACMG Guidelines, 2015. Collection method: clinical testing. Allele origin: germline.

Genetic Services Laboratory, University of Chicago
Classification: Likely benign. Last evaluated: 2017-11-20. Review status: criteria provided, single submitter. Criteria: ACMG Guidelines, 2015. Collection method: clinical testing. Allele origin: germline. Affected: no.

Illumina Laboratory Services, Illumina
Classification: Benign for Upshaw-Schulman syndrome. Last evaluated: 2017-04-27. Review status: criteria provided, single submitter. Criteria: ICSL Variant Classification Criteria 13 December 2019. Collection method: clinical testing. Allele origin: germline.
Comment: This variant was observed as part of a predisposition screen in an ostensibly healthy population. A literature search was performed for the gene, cDNA change, and amino acid change (where applicable). Publications were found based on this search. The evidence from the literature, in combination with allele frequency data from public databases where available, was sufficient to rule this variant out of causing disease. Therefore, this variant is classified as benign.

Breakthrough Genomics
Classification: Likely benign. Review status: criteria provided, single submitter. Criteria: ACMG Guidelines, 2015. Collection method: not provided. Allele origin: germline. Inheritance: Autosomal recessive inheritance. Affected: yes.

Literature cited by the submitters: PubMed 21843064 (cited by Mayo Clinic Laboratories, Mayo Clinic); PubMed 35746657 (cited by Mayo Clinic Laboratories, Mayo Clinic); PubMed 19847791 (cited by Illumina Laboratory Services, Illumina); PubMed 23847193 (cited by Illumina Laboratory Services, Illumina).

NM_139027.6(ADAMTS13):c.2494G>A (p.Val832Met)

Gene: ADAMTS13 (ADAM metallopeptidase with thrombospondin type 1 motif 13; plus strand). Cytogenetic location: 9q34.2.
Variant type: single nucleotide variant.
Coding change: c.2494G>A on transcript NM_139027.6 (MANE Select); coding-DNA position 2494, G replaced by A.
Protein change: p.Val832Met; replaces valine 832 with methionine.
Molecular consequence: missense variant. On other transcripts: non-coding transcript variant (1).
Genome position (GRCh38, 1-based): chr9:133,444,936, G>A. VCF-style: chr9-133444936-G-A. GRCh37 (hg19) VCF-style: chr9-136310057-G-A.
Other names: p.Val832Met; c.2494G>A, p.Val832Met (NM_139025.5); c.2401G>A, p.Val801Met (NM_139026.6); short protein forms V832M, V801M.
Identifiers: ClinVar variation 768333 (VCV000768333.18), dbSNP rs34104386, ClinGen allele CA200936010.